The following is an entry in ClinVar:

NM_007294.4(BRCA1):c.4569_4570insCC (p.Ser1524fs)

Gene: BRCA1 (BRCA1 DNA repair associated; minus strand). Cytogenetic location: 17q21.31.
Variant type: Insertion.
Coding change: c.4569_4570insCC on transcript NM_007294.4 (MANE Select); coding-DNA positions 4569 to 4570, CC inserted.
Protein change: p.Ser1524fs; shifts the reading frame from serine 1524.
Molecular consequence: frameshift variant. On other transcripts: non-coding transcript variant (1).
Genome position: GRCh38 VCF-style: chr17-43074436-A-AGG. GRCh37 (hg19) VCF-style: chr17-41226453-A-AGG.
Other names: 4688insCC; c.993_994insCC, p.Ser332Profs (NM_001408503.1, NM_001408504.1, NM_001408502.1); c.990_991insCC, p.Ser331Profs (NM_001408505.1); c.933_934insCC, p.Ser312Profs (NM_001408506.1); c.930_931insCC, p.Ser311Profs (NM_001408507.1); c.921_922insCC, p.Ser308Profs (NM_001408508.1); c.918_919insCC, p.Ser307Profs (NM_001408509.1); c.879_880insCC, p.Ser294Profs (NM_001408510.1); and 72 more; short protein forms S1477fs, S1545fs, S420fs, S1524fs.
Identifiers: ClinVar variation 266482 (VCV000266482.6), dbSNP rs886040235, ClinGen allele CA10589657.

ClinVar aggregate classification (germline): Pathogenic. Review status: reviewed by expert panel (3 of 4 stars). 2 submissions from 2 submitters: Pathogenic (1). 1 of the submissions does not count toward it. Last evaluated 2016-10-18.

Conditions:
Breast-ovarian cancer, familial, susceptibility to, 1 (BROVCA1). Also called: BRCA1 Hereditary Breast and Ovarian Cancer; OVARIAN CANCER, SUSCEPTIBILITY TO. Identifiers: Orphanet 145, MedGen C2676676, MONDO:0011450, OMIM 604370. Disease mechanism: loss of function.

Submissions (2):

Evidence-based Network for the Interpretation of Germline Mutant Alleles (ENIGMA)
Classification: Pathogenic for Breast-ovarian cancer, familial, susceptibility to, 1. Last evaluated: 2016-10-18. Review status: reviewed by expert panel. Criteria: ENIGMA BRCA1/2 Classification Criteria (2015). Collection method: curation. Allele origin: germline.
Comment: Variant allele predicted to encode a truncated non-functional protein.

Consortium of Investigators of Modifiers of BRCA1/2 (CIMBA), c/o University of Cambridge
Classification: Pathogenic for Breast-ovarian cancer, familial, susceptibility to, 1. Last evaluated: 2015-10-02. Review status: criteria provided, single submitter. Criteria: CIMBA Mutation Classification guidelines May 2016. Collection method: clinical testing. Allele origin: germline. Not counted in ClinVar's aggregate classification.